The following is an entry in ClinVar:

NM_001041.4(SI):c.5324G>T (p.Trp1775Leu)

Gene: SI (sucrase-isomaltase; minus strand). Cytogenetic location: 3q26.1.
Variant type: single nucleotide variant.
Coding change: c.5324G>T on transcript NM_001041.4 (MANE Select); coding-DNA position 5324, G replaced by T.
Protein change: p.Trp1775Leu; replaces tryptophan 1775 with leucine.
Molecular consequence: missense variant.
Genome position (GRCh38, 1-based): chr3:164,982,334, C>A on the plus strand (G>T on the coding strand, the complement: SI is on the minus strand). VCF-style: chr3-164982334-C-A. GRCh37 (hg19) VCF-style: chr3-164700122-C-A.
Other names: short protein forms W1775L.
Identifiers: ClinVar variation 2135895 (VCV002135895.4), dbSNP rs1271339714, ClinGen allele CA355107532.

ClinVar aggregate classification (germline): Uncertain significance (1 of 4 stars; one submission).

Submission:

Labcorp Genetics (formerly Invitae), Labcorp
Classification: Uncertain significance. Last evaluated: 2022-05-09. Review status: criteria provided, single submitter. Criteria: Invitae Variant Classification Sherloc (09022015). Collection method: clinical testing. Allele origin: germline.
Comment: This variant has not been reported in the literature in individuals affected with SI-related conditions. In summary, the available evidence is currently insufficient to determine the role of this variant in disease. Therefore, it has been classified as a Variant of Uncertain Significance. Advanced modeling of protein sequence and biophysical properties (such as structural, functional, and spatial information, amino acid conservation, physicochemical variation, residue mobility, and thermodynamic stability) performed at Invitae indicates that this missense variant is not expected to disrupt SI protein function. This variant is not present in population databases (gnomAD no frequency). This sequence change replaces tryptophan, which is neutral and slightly polar, with leucine, which is neutral and non-polar, at codon 1775 of the SI protein (p.Trp1775Leu).